The following is an entry in ClinVar:

ClinVar aggregate classification (germline): Uncertain significance (1 of 4 stars; one submission).

Conditions:
Familial melanoma. Also called: Hereditary melanoma; Hereditary cutaneous melanoma. Identifiers: Orphanet 618, MedGen C1512419, MONDO:0018961.

Submission:

Labcorp Genetics (formerly Invitae), Labcorp
Classification: Uncertain significance for Familial melanoma. Last evaluated: 2023-12-30. Review status: criteria provided, single submitter. Criteria: Invitae Variant Classification Sherloc (09022015). Collection method: clinical testing. Allele origin: germline.
Comment: This sequence change replaces leucine, which is neutral and non-polar, with valine, which is neutral and non-polar, at codon 49 of the CDK4 protein (p.Leu49Val). This variant is not present in population databases (gnomAD no frequency). This variant has not been reported in the literature in individuals affected with CDK4-related conditions. Advanced modeling of protein sequence and biophysical properties (such as structural, functional, and spatial information, amino acid conservation, physicochemical variation, residue mobility, and thermodynamic stability) performed at Invitae indicates that this missense variant is not expected to disrupt CDK4 protein function with a negative predictive value of 95%. In summary, the available evidence is currently insufficient to determine the role of this variant in disease. Therefore, it has been classified as a Variant of Uncertain Significance.

NM_000075.4(CDK4):c.145C>G (p.Leu49Val)

Genes: CDK4 (cyclin dependent kinase 4; minus strand), LOC130008148 (ATAC-STARR-seq lymphoblastoid silent region 4588; plus strand). Cytogenetic location: 12q14.1.
Variant type: single nucleotide variant.
Coding change: c.145C>G on transcript NM_000075.4 (MANE Select); coding-DNA position 145, C replaced by G.
Protein change: p.Leu49Val; replaces leucine 49 with valine.
Molecular consequence: missense variant.
Genome position (GRCh38, 1-based): chr12:57,751,573, G>C on the plus strand (C>G on the coding strand, the complement: CDK4 is on the minus strand). VCF-style: chr12-57751573-G-C. GRCh37 (hg19) VCF-style: chr12-58145356-G-C.
Other names: short protein forms L49V.
Identifiers: ClinVar variation 2729029 (VCV002729029.1), dbSNP rs2140388342, ClinGen allele CA385548704.